The following is an entry in ClinVar:

ClinVar aggregate classification (germline): Uncertain significance (1 of 4 stars; one submission).

Conditions:
Hereditary cancer-predisposing syndrome. Also called: Neoplastic Syndromes, Hereditary; Hereditary Cancer Syndrome; Hereditary neoplastic syndrome; Tumor predisposition. Identifiers: Orphanet 140162, MedGen C0027672, MeSH D009386, MONDO:0015356.

Submission:

Ambry Genetics
Classification: Uncertain significance for Hereditary cancer-predisposing syndrome. Last evaluated: 2023-03-27. Review status: criteria provided, single submitter. Criteria: Ambry Variant Classification Scheme 2023. Collection method: clinical testing. Allele origin: germline.
Comment: The p.N615I variant (also known as c.1844A>T), located in coding exon 14 of the POLD1 gene, results from an A to T substitution at nucleotide position 1844. The asparagine at codon 615 is replaced by isoleucine, an amino acid with dissimilar properties. This amino acid position is conserved. In addition, the in silico prediction for this alteration is inconclusive. Since supporting evidence is limited at this time, the clinical significance of this alteration remains unclear.

NM_002691.4(POLD1):c.1844A>T (p.Asn615Ile)

Gene: POLD1 (DNA polymerase delta 1, catalytic subunit; plus strand). Cytogenetic location: 19q13.33.
Variant type: single nucleotide variant.
Coding change: c.1844A>T on transcript NM_002691.4 (MANE Select); coding-DNA position 1844, A replaced by T.
Protein change: p.Asn615Ile; replaces asparagine 615 with isoleucine.
Molecular consequence: missense variant. On other transcripts: non-coding transcript variant (1).
Genome position (GRCh38, 1-based): chr19:50,408,853, A>T. VCF-style: chr19-50408853-A-T. GRCh37 (hg19) VCF-style: chr19-50912110-A-T.
Other names: c.1844A>T, p.Asn615Ile (NM_001256849.1); c.1922A>T, p.Asn641Ile (NM_001308632.1); short protein forms N641I, N615I.
Identifiers: ClinVar variation 2563167 (VCV002563167.2), dbSNP rs2038992126, ClinGen allele CA406982077.